The following is an entry in ClinVar:

ClinVar aggregate classification (germline): Conflicting classifications of pathogenicity. Review status: criteria provided, conflicting classifications (1 of 4 stars). 4 submissions from 4 submitters: Likely pathogenic (2); Uncertain significance (2). Last evaluated 2026-02-18.

Conditions:
DYSF-related disorder. Also called: DYSF-related condition; DYSF-related disorders.
Neuromuscular disease caused by qualitative or quantitative defects of dysferlin. Also called: Dysferlinopathy; Qualitative or quantitative defects of dysferlin. Identifiers: Orphanet 207073, MedGen C2931687, MONDO:0016145.
Autosomal recessive limb-girdle muscular dystrophy. Identifiers: Orphanet 102015, MedGen C2931907, MONDO:0015152.

Allele frequency attached by ClinVar (database versions not stated): gnomAD exomes below 0.00001; TOPMed 0.00001.
gnomAD v4.1: 1 of 1,613,824 alleles (0.000062%); highest among the groups gnomAD compares: Non-Finnish European, 0.000085%; no homozygotes.

Submissions (4):

Myriad Genetics, Inc.
Classification: Uncertain significance for Autosomal recessive limb-girdle muscular dystrophy. Last evaluated: 2026-02-18. Review status: criteria provided, single submitter. Criteria: Myriad Autosomal Dominant, Autosomal Recessive and X-Linked Classification Criteria (2023). Collection method: clinical testing. Allele origin: unknown.
Comment: NM_003494.3(DYSF):c.6056G>A(R2019K) is a missense variant classified as a variant of uncertain significance in the context of dysferlinopathy. R2019K has been observed in cases with relevant disease (PMID: 30564623, 27602406). Relevant functional assessments of this variant are not available in the literature. R2019K has not been observed in referenced population frequency databases. In summary, there is insufficient evidence to classify NM_003494.3(DYSF):c.6056G>A(R2019K) as pathogenic or benign. Please note: this variant was assessed in the context of healthy population screening.

Blueprint Genetics
Classification: Likely pathogenic for DYSF-related disorders. Last evaluated: 2023-04-03. Review status: criteria provided, single submitter. Criteria: ACMG Guidelines, 2015. Collection method: clinical testing. Allele origin: germline. Affected: yes. Observed: 2 variant alleles.

Labcorp Genetics (formerly Invitae), Labcorp
Classification: Uncertain significance for Neuromuscular disease caused by qualitative or quantitative defects of dysferlin. Last evaluated: 2022-08-15. Review status: criteria provided, single submitter. Criteria: Invitae Variant Classification Sherloc (09022015). Collection method: clinical testing. Allele origin: germline.
Comment: This sequence change replaces arginine, which is basic and polar, with lysine, which is basic and polar, at codon 2019 of the DYSF protein (p.Arg2019Lys). This variant also falls at the last nucleotide of exon 53, which is part of the consensus splice site for this exon. This variant is not present in population databases (gnomAD no frequency). This missense change has been observed in individual(s) with clinical features of Limb-Girdle Muscular Dystrophy and/or clinical suspicion of limb-girdle muscular dystrophy (PMID: 30564623; Invitae). ClinVar contains an entry for this variant (Variation ID: 285133). Algorithms developed to predict the effect of missense changes on protein structure and function output the following: SIFT: "Tolerated"; PolyPhen-2: "Benign"; Align-GVGD: "Class C0". The lysine amino acid residue is found in multiple mammalian species, which suggests that this missense change does not adversely affect protein function. Variants that disrupt the consensus splice site are a relatively common cause of aberrant splicing (PMID: 17576681, 9536098). Algorithms developed to predict the effect of sequence changes on RNA splicing suggest that this variant may disrupt the consensus splice site. In summary, the available evidence is currently insufficient to determine the role of this variant in disease. Therefore, it has been classified as a Variant of Uncertain Significance.

Eurofins Ntd Llc (ga)
Classification: Likely pathogenic. Last evaluated: 2018-03-14. Review status: criteria provided, single submitter. Criteria: EGL ClinVar v180209 classification definitions. Collection method: clinical testing. Allele origin: germline. Observed: 2 variant alleles, 1 heterozygote, 1 homozygote.

Literature cited by the submitters: PubMed 27602406 (cited by Myriad Genetics, Inc.); PubMed 30564623 (cited by Myriad Genetics, Inc. and Labcorp Genetics (formerly Invitae), Labcorp); PubMed 17576681 (cited by Labcorp Genetics (formerly Invitae), Labcorp); PubMed 9536098 (cited by Labcorp Genetics (formerly Invitae), Labcorp).

NM_001130987.2(DYSF):c.6173G>A (p.Arg2058Lys)

Gene: DYSF (dysferlin; plus strand). Cytogenetic location: 2p13.2.
Variant type: single nucleotide variant.
Coding change: c.6173G>A on transcript NM_001130987.2 (MANE Select); coding-DNA position 6173, G replaced by A.
Protein change: p.Arg2058Lys; replaces arginine 2058 with lysine.
Molecular consequence: missense variant.
Genome position (GRCh38, 1-based): chr2:71,681,110, G>A. VCF-style: chr2-71681110-G-A. GRCh37 (hg19) VCF-style: chr2-71908240-G-A.
Other names: c.6059G>A, p.Arg2020Lys (NM_001130455.2); c.6014G>A, p.Arg2005Lys (NM_001130976.2); c.6077G>A, p.Arg2026Lys (NM_001130977.2); c.6119G>A, p.Arg2040Lys (NM_001130978.2); c.6149G>A, p.Arg2050Lys (NM_001130979.2); c.6107G>A, p.Arg2036Lys (NM_001130980.2); c.6170G>A, p.Arg2057Lys (NM_001130981.2); c.6152G>A, p.Arg2051Lys (NM_001130982.2); and 5 more; short protein forms R2058K, R2019K, R2005K, R2036K, R2040K, R2020K, R2026K, R2027K.
Identifiers: ClinVar variation 285133 (VCV000285133.12), dbSNP rs886042452, ClinGen allele CA10605008.